The following is an entry in ClinVar:

ClinVar aggregate classification (germline): Uncertain significance (1 of 4 stars; one submission).

Conditions:
Neuroblastoma, susceptibility to, 3. Also called: ALK-Related Neuroblastic Tumor Susceptibility. Identifiers: Orphanet 635, MedGen C2751681, MONDO:0013083, OMIM 613014.

Submission:

Labcorp Genetics (formerly Invitae), Labcorp
Classification: Uncertain significance for Neuroblastoma, susceptibility to, 3. Last evaluated: 2025-09-03. Review status: criteria provided, single submitter. Criteria: Invitae Variant Classification Sherloc (09022015). Collection method: clinical testing. Allele origin: germline.
Comment: This sequence change replaces proline, which is neutral and non-polar, with arginine, which is basic and polar, at codon 1423 of the ALK protein (p.Pro1423Arg). This variant is not present in population databases (gnomAD no frequency). This variant has not been reported in the literature in individuals affected with ALK-related conditions. An algorithm developed to predict the effect of missense changes on protein structure and function (PolyPhen-2) suggests that this variant is likely to be disruptive. In summary, the available evidence is currently insufficient to determine the role of this variant in disease. Therefore, it has been classified as a Variant of Uncertain Significance.

NM_004304.5(ALK):c.4268C>G (p.Pro1423Arg)

Gene: ALK (ALK receptor tyrosine kinase; minus strand). Cytogenetic location: 2p23.2.
Variant type: single nucleotide variant.
Coding change: c.4268C>G on transcript NM_004304.5 (MANE Select); coding-DNA position 4268, C replaced by G.
Protein change: p.Pro1423Arg; replaces proline 1423 with arginine.
Molecular consequence: missense variant.
Genome position (GRCh38, 1-based): chr2:29,193,819, G>C on the plus strand (C>G on the coding strand, the complement: ALK is on the minus strand). VCF-style: chr2-29193819-G-C. GRCh37 (hg19) VCF-style: chr2-29416685-G-C.
Other names: c.1064C>G, p.Pro355Arg (NM_001353765.2); short protein forms P1423R, P355R.
Identifiers: ClinVar variation 4726231 (VCV004726231.1).